The following is an entry in ClinVar:

NM_004380.3(CREBBP):c.6155G>T (p.Arg2052Leu)

Gene: CREBBP (CREB binding lysine acetyltransferase; minus strand). Cytogenetic location: 16p13.3.
Variant type: single nucleotide variant.
Coding change: c.6155G>T on transcript NM_004380.3 (MANE Select); coding-DNA position 6155, G replaced by T.
Protein change: p.Arg2052Leu; replaces arginine 2052 with leucine.
Molecular consequence: missense variant.
Genome position (GRCh38, 1-based): chr16:3,728,892, C>A on the plus strand (G>T on the coding strand, the complement: CREBBP is on the minus strand). VCF-style: chr16-3728892-C-A. GRCh37 (hg19) VCF-style: chr16-3778893-C-A.
Other names: c.6041G>T, p.Arg2014Leu (NM_001079846.1); short protein forms R2014L, R2052L.
Identifiers: ClinVar variation 4977009 (VCV004977009.1).

ClinVar aggregate classification (germline): Uncertain significance (1 of 4 stars; one submission).

Conditions:
CREBBP-related disorder. Also called: CREBBP-related condition; CREBBP-related disorders.

Submission:

PreventionGenetics, part of Exact Sciences
Classification: Uncertain significance for CREBBP-related condition. Last evaluated: 2025-05-27. Review status: criteria provided, single submitter. Criteria: ACMG Guidelines, 2015. Collection method: clinical testing. Allele origin: germline.
Comment: The CREBBP c.6155G>T variant is predicted to result in the amino acid substitution p.Arg2052Leu. To our knowledge, this variant has not been reported in the literature or in a large population database (gnomAD), indicating this variant is rare. At this time, the clinical significance of this variant is uncertain due to the absence of conclusive functional and genetic evidence.